The following is an entry in ClinVar:

NM_000081.4(LYST):c.6775G>T (p.Val2259Phe)

Gene: LYST (lysosomal trafficking regulator; minus strand). Cytogenetic location: 1q42.3.
Variant type: single nucleotide variant.
Coding change: c.6775G>T on transcript NM_000081.4 (MANE Select); coding-DNA position 6775, G replaced by T.
Protein change: p.Val2259Phe; replaces valine 2259 with phenylalanine.
Molecular consequence: missense variant.
Genome position (GRCh38, 1-based): chr1:235,759,078, C>A on the plus strand (G>T on the coding strand, the complement: LYST is on the minus strand). VCF-style: chr1-235759078-C-A. GRCh37 (hg19) VCF-style: chr1-235922378-C-A.
Other names: c.6775G>T, p.Val2259Phe (NM_001301365.1); short protein forms V2259F.
Identifiers: ClinVar variation 2173150 (VCV002173150.3), dbSNP rs773927032, ClinGen allele CA1466316.
Genomic context (GRCh38, chr1:235,759,078, plus strand): 5'-AATAGGCAAAGTTTTCCCAATCATCAGTGTTTCTATCAACAAGACTTGGCCAACGGCCAA[C>A]AGCTGCAGATCCGTTCTGTGAAGGAAAAGCTAGCCCAAGGCTTGCAATAGTGCTGTGGCT-3'
Protein context (NP_000072.2, residues 2249-2269): AFPSQNGSAA[Val2259Phe]GRWPSLVDRN

ClinVar aggregate classification (germline): Uncertain significance (1 of 4 stars; one submission).

Conditions:
Chédiak-Higashi syndrome (CHS). Also called: Chediak-Higashi Syndrome. Identifiers: Orphanet 167, MedGen C0007965, MONDO:0008963, OMIM 214500.

gnomAD v4.1: 1 of 1,614,178 alleles (0.000062%); highest among the groups gnomAD compares: Admixed American, 0.0017%; no homozygotes.

Submission:

Labcorp Genetics (formerly Invitae), Labcorp
Classification: Uncertain significance for Chédiak-Higashi syndrome. Last evaluated: 2025-03-17. Review status: criteria provided, single submitter. Criteria: Invitae Variant Classification Sherloc (09022015). Collection method: clinical testing. Allele origin: germline.
Comment: This sequence change replaces valine, which is neutral and non-polar, with phenylalanine, which is neutral and non-polar, at codon 2259 of the LYST protein (p.Val2259Phe). This variant is present in population databases (rs773927032, gnomAD 0.006%). This variant has not been reported in the literature in individuals affected with LYST-related conditions. ClinVar contains an entry for this variant (Variation ID: 2173150). Invitae Evidence Modeling of protein sequence and biophysical properties (such as structural, functional, and spatial information, amino acid conservation, physicochemical variation, residue mobility, and thermodynamic stability) indicates that this missense variant is not expected to disrupt LYST protein function with a negative predictive value of 80%. In summary, the available evidence is currently insufficient to determine the role of this variant in disease. Therefore, it has been classified as a Variant of Uncertain Significance.